The following is an entry in ClinVar:

ClinVar aggregate classification (germline): Uncertain significance (1 of 4 stars; one submission).

Conditions:
Baller-Gerold syndrome (BGS). Also called: CRANIOSYNOSTOSIS WITH RADIAL DEFECTS. Identifiers: Orphanet 1225, MedGen C0265308, MONDO:0009039, OMIM 218600.

Allele frequency attached by ClinVar (database versions not stated): gnomAD 0.00001; TOPMed 0.00001; ExAC 0.00002; gnomAD exomes 0.00002.

Submission:

Labcorp Genetics (formerly Invitae), Labcorp
Classification: Uncertain significance for Baller-Gerold syndrome. Last evaluated: 2024-09-27. Review status: criteria provided, single submitter. Criteria: Invitae Variant Classification Sherloc (09022015). Collection method: clinical testing. Allele origin: germline.
Comment: This sequence change replaces arginine, which is basic and polar, with histidine, which is basic and polar, at codon 735 of the RECQL4 protein (p.Arg735His). This variant is present in population databases (rs773155492, gnomAD 0.01%). This variant has not been reported in the literature in individuals affected with RECQL4-related conditions. ClinVar contains an entry for this variant (Variation ID: 944123). Invitae Evidence Modeling of protein sequence and biophysical properties (such as structural, functional, and spatial information, amino acid conservation, physicochemical variation, residue mobility, and thermodynamic stability) indicates that this missense variant is not expected to disrupt RECQL4 protein function with a negative predictive value of 80%. In summary, the available evidence is currently insufficient to determine the role of this variant in disease. Therefore, it has been classified as a Variant of Uncertain Significance.

NM_004260.4(RECQL4):c.2204G>A (p.Arg735His)

Gene: RECQL4 (RecQ like helicase 4; minus strand). Cytogenetic location: 8q24.3.
Variant type: single nucleotide variant.
Coding change: c.2204G>A on transcript NM_004260.4 (MANE Select); coding-DNA position 2204, G replaced by A.
Protein change: p.Arg735His; replaces arginine 735 with histidine.
Molecular consequence: missense variant.
Genome position (GRCh38, 1-based): chr8:144,513,477, C>T on the plus strand (G>A on the coding strand, the complement: RECQL4 is on the minus strand). VCF-style: chr8-144513477-C-T. GRCh37 (hg19) VCF-style: chr8-145738861-C-T.
Other names: short protein forms R735H.
Identifiers: ClinVar variation 944123 (VCV000944123.5), dbSNP rs773155492, ClinGen allele CA4948384.